The following is an entry in ClinVar:

ClinVar aggregate classification (germline): Likely benign. Review status: criteria provided, multiple submitters, no conflicts (2 of 4 stars). 3 submissions from 3 submitters: Likely benign (2). 1 of the submissions does not count toward it. Last evaluated 2025-02-01.

Conditions:
Usher syndrome type 1 (USH1). Also called: RETINITIS PIGMENTOSA AND CONGENITAL DEAFNESS. Identifiers: Orphanet 231169, Orphanet 886, MedGen C1568247, MONDO:0010168, OMIM 276900.

Allele frequency attached by ClinVar (database versions not stated): ExAC 0.00002; gnomAD exomes 0.00002.
gnomAD v4.1: 6 of 1,613,466 alleles (0.00037%); highest among the groups gnomAD compares: East Asian, 0.0022%; 1 homozygote.

Submissions (3):

CeGaT Center for Human Genetics Tuebingen
Classification: Likely benign. Last evaluated: 2025-02-01. Review status: criteria provided, single submitter. Criteria: CeGaT Center For Human Genetics Tuebingen Variant Classification Criteria Version 2. Collection method: clinical testing. Allele origin: germline. Affected: yes. Observed: 1 variant allele.
Comment: CDH23: BP4, BP7

Labcorp Genetics (formerly Invitae), Labcorp
Classification: Likely benign. Last evaluated: 2024-01-29. Review status: criteria provided, single submitter. Criteria: Invitae Variant Classification Sherloc (09022015). Collection method: clinical testing. Allele origin: germline.

Natera, Inc.
Classification: Likely benign for Usher syndrome type 1. Last evaluated: 2020-10-13. Review status: no assertion criteria provided. Collection method: clinical testing. Allele origin: germline. Not counted in ClinVar's aggregate classification.

NM_022124.6(CDH23):c.414C>T (p.Ser138=)

Genes: CDH23-AS1 (CDH23 antisense RNA 1; minus strand), CDH23 (cadherin related 23; plus strand). Cytogenetic location: 10q22.1.
Variant type: single nucleotide variant.
Coding change: c.414C>T on transcript NM_022124.6 (MANE Select); coding-DNA position 414, C replaced by T.
Protein change: p.Ser138=; no amino-acid change (serine 138 retained).
Molecular consequence: synonymous variant.
Genome position (GRCh38, 1-based): chr10:71,511,197, C>T. VCF-style: chr10-71511197-C-T. GRCh37 (hg19) VCF-style: chr10-73270954-C-T.
Other names: c.414C>T, p.Ser138= (NM_001171930.2, NM_001171931.2, NM_001171932.2 and 1 more transcripts).
Identifiers: ClinVar variation 793985 (VCV000793985.24), dbSNP rs745908110, ClinGen allele CA5543406.